The following is an entry in ClinVar:

NM_003632.3(CNTNAP1):c.3814+1G>C

Gene: CNTNAP1 (contactin associated protein 1; plus strand). Cytogenetic location: 17q21.2.
Variant type: single nucleotide variant.
Coding change: c.3814+1G>C on transcript NM_003632.3 (MANE Select); the canonical splice donor site of the intron after coding-DNA position 3814, G replaced by C.
Molecular consequence: splice donor variant.
Genome position (GRCh38, 1-based): chr17:42,697,800, G>C. VCF-style: chr17-42697800-G-C. GRCh37 (hg19) VCF-style: chr17-40849818-G-C.
Identifiers: ClinVar variation 3251978 (VCV003251978.1), dbSNP rs2543806196.

ClinVar aggregate classification (germline): Likely pathogenic (1 of 4 stars; one submission).

Conditions:
Neuropathy, congenital hypomyelinating, 3. Identifiers: MedGen C4748608, MONDO:0020766, OMIM 618186.
Lethal congenital contracture syndrome 7 (LCCS7). Identifiers: MedGen C4225386, MONDO:0014569, OMIM 616286.

Submission:

Diagnostics Services (NGS), CSIR - Centre For Cellular And Molecular Biology
Classification: Likely pathogenic for Neuropathy, congenital hypomyelinating, 3; Lethal congenital contracture syndrome 7. Last evaluated: 2024-03-13. Review status: criteria provided, single submitter. Criteria: ACMG Guidelines, 2015. Collection method: clinical testing. Allele origin: germline. Affected: yes. Observed: 1 variant allele, 1 homozygote.
Comment: The c.3814+1G>C variant is not present in publicly available population databases like 1000 Genomes, EVS, ExAC, gnomAD, Indian Exome Database and our in-house exome database. This variant has neither been published in literature with CNTNAP1-related conditions nor reported to clinical databases like in ClinVar, Human Gene Mutation Database (HGMD) or OMIM, in any affected individuals. Algorithms developed to predict the effect of sequence changes on RNA splicing suggest that this variant can disrupt the consensus splice site. In-silico pathogenicity prediction programs like MutationTaster2, CADD, Varsome etc predicted this variant to be likely deleterious however these predictions were not confirmed by published functional/translational studies.